The following is an entry in ClinVar:

NM_001378457.1(DMXL2):c.1912C>G (p.Leu638Val)

Gene: DMXL2 (Dmx like 2; minus strand). Cytogenetic location: 15q21.2.
Variant type: single nucleotide variant.
Coding change: c.1912C>G on transcript NM_001378457.1 (MANE Select); coding-DNA position 1912, C replaced by G.
Protein change: p.Leu638Val; replaces leucine 638 with valine.
Molecular consequence: missense variant. On other transcripts: non-coding transcript variant (2).
Genome position (GRCh38, 1-based): chr15:51,536,568, G>C on the plus strand (C>G on the coding strand, the complement: DMXL2 is on the minus strand). VCF-style: chr15-51536568-G-C. GRCh37 (hg19) VCF-style: chr15-51828765-G-C.
Other names: c.1912C>G (NM_001174116.1); c.1912C>G, p.Leu638Val (NM_001174116.3, NM_001174117.3, NM_001378458.1 and 6 more transcripts); c.1672C>G, p.Leu558Val (NM_001378464.1); short protein forms L638V, L558V.
Identifiers: ClinVar variation 1897782 (VCV001897782.4), dbSNP rs142770613, ClinGen allele CA7562487.

ClinVar aggregate classification (germline): Uncertain significance. Review status: criteria provided, multiple submitters, no conflicts (2 of 4 stars). 2 submissions from 2 submitters: Uncertain significance (2). Last evaluated 2026-07-23.

Conditions:
DMXL2-related disorder. Also called: DMXL2-related condition.

Allele frequency attached by ClinVar (database versions not stated): ExAC 0.00002; ESP Exome Variant Server 0.00015.
gnomAD v4.1: 6 of 1,613,868 alleles (0.00037%); highest among the groups gnomAD compares: East Asian, 0.0022%; no homozygotes.

Submissions (2):

PreventionGenetics, part of Exact Sciences
Classification: Uncertain significance for DMXL2-related condition. Last evaluated: 2026-07-23. Review status: criteria provided, single submitter. Criteria: ACMG Guidelines, 2015. Collection method: clinical testing. Allele origin: germline.
Comment: The DMXL2 c.1912C>G variant is predicted to result in the amino acid substitution p.Leu638Val. To our knowledge, this variant has not been reported in the literature. This variant is reported in 0.012% of alleles in individuals of African descent in gnomAD. At this time, the clinical significance of this variant is uncertain due to the absence of conclusive functional and genetic evidence.

Labcorp Genetics (formerly Invitae), Labcorp
Classification: Uncertain significance. Last evaluated: 2023-08-04. Review status: criteria provided, single submitter. Criteria: Invitae Variant Classification Sherloc (09022015). Collection method: clinical testing. Allele origin: germline.
Comment: This variant is present in population databases (rs142770613, gnomAD 0.007%). This variant has not been reported in the literature in individuals affected with DMXL2-related conditions. ClinVar contains an entry for this variant (Variation ID: 1897782). An algorithm developed to predict the effect of missense changes on protein structure and function (PolyPhen-2) suggests that this variant is likely to be disruptive. In summary, the available evidence is currently insufficient to determine the role of this variant in disease. Therefore, it has been classified as a Variant of Uncertain Significance. This sequence change replaces leucine, which is neutral and non-polar, with valine, which is neutral and non-polar, at codon 638 of the DMXL2 protein (p.Leu638Val).